The following is an entry in ClinVar:

NM_031935.3(HMCN1):c.3848G>A (p.Arg1283His)

Gene: HMCN1 (hemicentin 1; plus strand). Cytogenetic location: 1q31.1.
Variant type: single nucleotide variant.
Coding change: c.3848G>A on transcript NM_031935.3 (MANE Select); coding-DNA position 3848, G replaced by A.
Protein change: p.Arg1283His; replaces arginine 1283 with histidine.
Molecular consequence: missense variant.
Genome position (GRCh38, 1-based): chr1:185,997,498, G>A. VCF-style: chr1-185997498-G-A. GRCh37 (hg19) VCF-style: chr1-185966630-G-A.
Other names: short protein forms R1283H.
Identifiers: ClinVar variation 1903506 (VCV001903506.8), dbSNP rs201162031, ClinGen allele CA1291828.

ClinVar aggregate classification (germline): Uncertain significance. Review status: criteria provided, multiple submitters, no conflicts (2 of 4 stars). 3 submissions from 3 submitters: Uncertain significance (3). Last evaluated 2025-08-08.

Conditions:
Age related macular degeneration 1 (ARMD1). Also called: MACULOPATHY, AGE-RELATED, 1. Identifiers: MedGen C1864205, MONDO:0011285, OMIM 603075.

Allele frequency attached by ClinVar (database versions not stated): ExAC 0.00002; gnomAD exomes 0.00003; TOPMed 0.00003; gnomAD 0.00004.
gnomAD v4.1: 42 of 1,610,968 alleles (0.0026%); highest among the groups gnomAD compares: East Asian, 0.0089%; no homozygotes.

Submissions (3):

Ambry Genetics
Classification: Uncertain significance. Last evaluated: 2025-08-08. Review status: criteria provided, single submitter. Criteria: Ambry Variant Classification Scheme 2023. Collection method: clinical testing. Allele origin: germline.

Labcorp Genetics (formerly Invitae), Labcorp
Classification: Uncertain significance. Last evaluated: 2025-07-24. Review status: criteria provided, single submitter. Criteria: Invitae Variant Classification Sherloc (09022015). Collection method: clinical testing. Allele origin: germline.
Comment: This sequence change replaces arginine, which is basic and polar, with histidine, which is basic and polar, at codon 1283 of the HMCN1 protein (p.Arg1283His). This variant is present in population databases (rs201162031, gnomAD 0.005%). This variant has not been reported in the literature in individuals affected with HMCN1-related conditions. ClinVar contains an entry for this variant (Variation ID: 1903506). An algorithm developed to predict the effect of missense changes on protein structure and function (PolyPhen-2) suggests that this variant is likely to be disruptive. In summary, the available evidence is currently insufficient to determine the role of this variant in disease. Therefore, it has been classified as a Variant of Uncertain Significance.

Genome-Nilou Lab
Classification: Uncertain significance for Age related macular degeneration 1. Last evaluated: 2023-04-11. Review status: criteria provided, single submitter. Criteria: ACMG Guidelines, 2015. Collection method: clinical testing. Allele origin: germline. Affected: no.